The following is an entry in ClinVar:

ClinVar aggregate classification (germline): Uncertain significance (1 of 4 stars; one submission).

Allele frequency attached by ClinVar (database versions not stated): gnomAD exomes below 0.00001 and 0.00001; ExAC 0.00002.
gnomAD v4.1: 12 of 1,612,516 alleles (0.00074%); highest among the groups gnomAD compares: South Asian, 0.012%; no homozygotes.

Submission:

Labcorp Genetics (formerly Invitae), Labcorp
Classification: Uncertain significance. Last evaluated: 2022-06-16. Review status: criteria provided, single submitter. Criteria: Invitae Variant Classification Sherloc (09022015). Collection method: clinical testing. Allele origin: germline.
Comment: This sequence change replaces valine, which is neutral and non-polar, with methionine, which is neutral and non-polar, at codon 677 of the ADGRA3 protein (p.Val677Met). This variant is present in population databases (rs771596646, gnomAD 0.003%). This variant has not been reported in the literature in individuals affected with ADGRA3-related conditions. Algorithms developed to predict the effect of missense changes on protein structure and function output the following: SIFT: "Tolerated"; PolyPhen-2: "Benign"; Align-GVGD: "Class C0". The methionine amino acid residue is found in multiple mammalian species, which suggests that this missense change does not adversely affect protein function. In summary, the available evidence is currently insufficient to determine the role of this variant in disease. Therefore, it has been classified as a Variant of Uncertain Significance.

NM_145290.4(ADGRA3):c.2029G>A (p.Val677Met)

Gene: ADGRA3 (adhesion G protein-coupled receptor A3; minus strand). Cytogenetic location: 4p15.2.
Variant type: single nucleotide variant.
Coding change: c.2029G>A on transcript NM_145290.4 (MANE Select); coding-DNA position 2029, G replaced by A.
Protein change: p.Val677Met; replaces valine 677 with methionine.
Molecular consequence: missense variant.
Genome position (GRCh38, 1-based): chr4:22,413,385, C>T on the plus strand (G>A on the coding strand, the complement: ADGRA3 is on the minus strand). VCF-style: chr4-22413385-C-T. GRCh37 (hg19) VCF-style: chr4-22415008-C-T.
Other names: short protein forms V677M.
Identifiers: ClinVar variation 1407315 (VCV001407315.8), dbSNP rs771596646, ClinGen allele CA2873752.